The following is an entry in ClinVar:

NM_024310.5(PLEKHF1):c.51A>G (p.Ala17=)

Gene: PLEKHF1 (pleckstrin homology and FYVE domain containing 1; plus strand). Cytogenetic location: 19q12.
Variant type: single nucleotide variant.
Coding change: c.51A>G on transcript NM_024310.5 (MANE Select); coding-DNA position 51, A replaced by G.
Protein change: p.Ala17=; no amino-acid change (alanine 17 retained).
Molecular consequence: synonymous variant.
Genome position (GRCh38, 1-based): chr19:29,673,890, A>G. VCF-style: chr19-29673890-A-G. GRCh37 (hg19) VCF-style: chr19-30164797-A-G.
Identifiers: ClinVar variation 769452 (VCV000769452.27), dbSNP rs111957630, ClinGen allele CA9351411.
Genomic context (GRCh38, chr19:29,673,890, plus strand): 5'-GCTGGAGACGATGGTGGACCACTTGGCCAACACGGAGATCAACAGCCAGCGCATCGCGGC[A>G]GTGGAGAGCTGCTTCGGGGCCTCGGGGCAGCCGCTGGCGCTGCCAGGCCGAGTGCTGCTG-3'
Protein context (NP_077286.3, residues 7-27): NTEINSQRIA[Ala17=]VESCFGASGQ

ClinVar aggregate classification (germline): Benign. Review status: criteria provided, multiple submitters, no conflicts (2 of 4 stars). 2 submissions from 2 submitters: Benign (2). Last evaluated 2023-06-01.

Allele frequency attached by ClinVar (database versions not stated): gnomAD exomes 0.00040 and 0.00094; ExAC 0.00128; 1000 Genomes Project 30x 0.00265; 1000 Genomes Project 0.00280; gnomAD 0.00376 and 0.00416; TOPMed 0.00390; ESP Exome Variant Server 0.00415.

Submissions (2):

CeGaT Center for Human Genetics Tuebingen
Classification: Benign. Last evaluated: 2023-06-01. Review status: criteria provided, single submitter. Criteria: CeGaT Center For Human Genetics Tuebingen Variant Classification Criteria Version 2. Collection method: clinical testing. Allele origin: germline. Affected: yes. Observed: 1 variant allele.
Comment: PLEKHF1: BP4, BP7, BS1, BS2

Labcorp Genetics (formerly Invitae), Labcorp
Classification: Benign. Last evaluated: 2018-04-05. Review status: criteria provided, single submitter. Criteria: Invitae Variant Classification Sherloc (09022015). Collection method: clinical testing. Allele origin: germline.